The following is an entry in ClinVar:

ClinVar aggregate classification (germline): Uncertain significance (1 of 4 stars; one submission).

Conditions:
Baller-Gerold syndrome (BGS). Also called: CRANIOSYNOSTOSIS WITH RADIAL DEFECTS. Identifiers: Orphanet 1225, MedGen C0265308, MONDO:0009039, OMIM 218600.

Allele frequency attached by ClinVar (database versions not stated): gnomAD exomes below 0.00001; TOPMed 0.00001.

Submission:

Labcorp Genetics (formerly Invitae), Labcorp
Classification: Uncertain significance for Baller-Gerold syndrome. Last evaluated: 2022-09-22. Review status: criteria provided, single submitter. Criteria: Invitae Variant Classification Sherloc (09022015). Collection method: clinical testing. Allele origin: germline.
Comment: This variant has not been reported in the literature in individuals affected with RECQL4-related conditions. This variant is not present in population databases (gnomAD no frequency). This sequence change falls in intron 15 of the RECQL4 gene. It does not directly change the encoded amino acid sequence of the RECQL4 protein. It affects a nucleotide within the consensus splice site. ClinVar contains an entry for this variant (Variation ID: 1356929). In summary, the available evidence is currently insufficient to determine the role of this variant in disease. Therefore, it has been classified as a Variant of Uncertain Significance. Variants that disrupt the consensus splice site are a relatively common cause of aberrant splicing (PMID: 17576681, 9536098). Algorithms developed to predict the effect of sequence changes on RNA splicing suggest that this variant may disrupt the consensus splice site.

Literature cited by the submitters: PubMed 17576681; PubMed 9536098.

NM_004260.4(RECQL4):c.2755+5G>A

Gene: RECQL4 (RecQ like helicase 4; minus strand). Cytogenetic location: 8q24.3.
Variant type: single nucleotide variant.
Coding change: c.2755+5G>A on transcript NM_004260.4 (MANE Select); 5 bases into the intron after coding-DNA position 2755, G replaced by A.
Molecular consequence: intron variant.
Genome position (GRCh38, 1-based): chr8:144,512,842, C>T on the plus strand (G>A on the coding strand, the complement: RECQL4 is on the minus strand). VCF-style: chr8-144512842-C-T. GRCh37 (hg19) VCF-style: chr8-145738225-C-T.
Identifiers: ClinVar variation 1356929 (VCV001356929.6), dbSNP rs1280919842, ClinGen allele CA848893442.